The following is an entry in ClinVar:

NM_006363.6(SEC23B):c.1665+4A>G

Gene: SEC23B (SEC23 homolog B, COPII component; plus strand). Cytogenetic location: 20p11.23.
Variant type: single nucleotide variant.
Coding change: c.1665+4A>G on transcript NM_006363.6 (MANE Select); 4 bases into the intron after coding-DNA position 1665, A replaced by G.
Molecular consequence: intron variant.
Genome position (GRCh38, 1-based): chr20:18,543,176, A>G. VCF-style: chr20-18543176-A-G. GRCh37 (hg19) VCF-style: chr20-18523820-A-G.
Other names: c.1665+4A>G (NM_032986.5, NM_001172745.3, NM_032985.6); c.1611+4A>G (NM_001172746.3).
Identifiers: ClinVar variation 2015445 (VCV002015445.4), dbSNP rs2517504256, ClinGen allele CA2580097914.

ClinVar aggregate classification (germline): Uncertain significance (1 of 4 stars; one submission).

Conditions:
Congenital dyserythropoietic anemia, type II (CDAN2). Also called: DYSERYTHROPOIETIC ANEMIA, HEMPAS TYPE. Identifiers: Orphanet 98873, MedGen C1306589, MONDO:0009134, OMIM 224100.
Cowden syndrome 7 (CWS7). Identifiers: Orphanet 201, MedGen C4225179, MONDO:0014802, OMIM 616858.

Submission:

Labcorp Genetics (formerly Invitae), Labcorp
Classification: Uncertain significance for Congenital dyserythropoietic anemia, type II; Cowden syndrome 7. Last evaluated: 2022-07-09. Review status: criteria provided, single submitter. Criteria: Invitae Variant Classification Sherloc (09022015). Collection method: clinical testing. Allele origin: germline.
Comment: This sequence change falls in intron 14 of the SEC23B gene. It does not directly change the encoded amino acid sequence of the SEC23B protein. It affects a nucleotide within the consensus splice site. In summary, the available evidence is currently insufficient to determine the role of this variant in disease. Therefore, it has been classified as a Variant of Uncertain Significance. Variants that disrupt the consensus splice site are a relatively common cause of aberrant splicing (PMID: 17576681, 9536098). Algorithms developed to predict the effect of sequence changes on RNA splicing suggest that this variant may disrupt the consensus splice site. This variant has not been reported in the literature in individuals affected with SEC23B-related conditions. This variant is not present in population databases (gnomAD no frequency).

Literature cited by the submitters: PubMed 17576681; PubMed 9536098.